The following is an entry in ClinVar:

ClinVar aggregate classification (germline): Pathogenic. Review status: criteria provided, multiple submitters, no conflicts (2 of 4 stars). 2 submissions from 2 submitters: Pathogenic (2). Last evaluated 2025-05-28.

Conditions:
Hereditary cancer-predisposing syndrome. Also called: Tumor predisposition; Hereditary Cancer Syndrome; Hereditary neoplastic syndrome; Neoplastic Syndromes, Hereditary. Identifiers: Orphanet 140162, MedGen C0027672, MeSH D009386, MONDO:0015356.
Breast-ovarian cancer, familial, susceptibility to, 1 (BROVCA1). Also called: BRCA1 Hereditary Breast and Ovarian Cancer; OVARIAN CANCER, SUSCEPTIBILITY TO. Identifiers: Orphanet 145, MedGen C2676676, MONDO:0011450, OMIM 604370. Disease mechanism: loss of function.

Submissions (2):

Myriad Genetics, Inc.
Classification: Pathogenic for Breast-ovarian cancer, familial, susceptibility to, 1. Last evaluated: 2025-05-28. Review status: criteria provided, single submitter. Criteria: Myriad Autosomal Dominant, Autosomal Recessive and X-Linked Classification Criteria (2023). Collection method: clinical testing. Allele origin: unknown.
Comment: This variant is considered pathogenic. This variant creates a termination codon and is predicted to result in premature protein truncation.

Ambry Genetics
Classification: Pathogenic for Hereditary cancer-predisposing syndrome. Last evaluated: 2016-06-28. Review status: criteria provided, single submitter. Criteria: Ambry Variant Classification Scheme 2023. Collection method: clinical testing. Allele origin: germline.
Comment: The c.2820_2830delTAATGCCAAATins20 pathogenic mutation, located in coding exon 9 of the BRCA1 gene, results from the deletion 10 nucleotides(TAATGCCAAAT) and the insertion of 20 nucleotides (AAGATAAGCCAGTTTGATAA) causing a translational frameshift with a predicted alternate stop codon. Since frameshifts are typically deleterious in nature, this alteration is interpreted as a disease-causing mutation (ACMG Recommendations for Standards for Interpretation and Reporting of Sequence Variations. Revision 2007. Genet Med. 2008;10:294).

NM_007294.4(BRCA1):c.2820_2830delinsAAGATAAGCCAGTTTGATAA (p.Asp940_Cys944delinsGluArgTer)

Gene: BRCA1 (BRCA1 DNA repair associated; minus strand). Cytogenetic location: 17q21.31.
Variant type: Indel.
Coding change: c.2820_2830delinsAAGATAAGCCAGTTTGATAA on transcript NM_007294.4 (MANE Select); coding-DNA positions 2820 to 2830, TAATGCCAAAT replaced by AAGATAAGCCAGTTTGATAA.
Protein change: p.Asp940_Cys944delinsGluArgTer.
Molecular consequence: nonsense. On other transcripts: intron variant (137).
Genome position (GRCh38, 1-based): chr17:43,092,701-43,092,711, ATTTGGCATTA replaced by TTATCAAACTGGCTTATCTT on the plus strand (TAATGCCAAAT replaced by AAGATAAGCCAGTTTGATAA on the coding strand, the reverse complement: BRCA1 is on the minus strand). VCF-style: chr17-43092701-ATTTGGCATTA-TTATCAAACTGGCTTATCTT. GRCh37 (hg19) VCF-style: chr17-41244718-ATTTGGCATTA-TTATCAAACTGGCTTATCTT.
Other names: c.2553_2563delinsAAGATAAGCCAGTTTGATAA, p.Asp851_Cys855delinsGluArgTer (NM_001407936.1, NM_001407930.1, NM_001407931.1 and 2 more transcripts); c.2697_2707delinsAAGATAAGCCAGTTTGATAA, p.Asp899_Cys903delinsGluArgTer (NM_001407937.1, NM_001407938.1, NM_001407939.1 and 19 more transcripts); c.2694_2704delinsAAGATAAGCCAGTTTGATAA, p.Asp898_Cys902delinsGluArgTer (NM_001407940.1, NM_001407941.1, NM_001407649.1 and 11 more transcripts); c.2679_2689delinsAAGATAAGCCAGTTTGATAA, p.Asp893_Cys897delinsGluArgTer (NM_001407942.1, NM_001407944.1, NM_001407945.1 and 29 more transcripts); c.2676_2686delinsAAGATAAGCCAGTTTGATAA, p.Asp892_Cys896delinsGluArgTer (NM_001407943.1, NM_001407964.1, NM_001407740.1 and 20 more transcripts); c.2487_2497delinsAAGATAAGCCAGTTTGATAA, p.Asp829_Cys833delinsGluArgTer (NM_001407946.1, NM_001407947.1, NM_001407948.1 and 6 more transcripts); c.2484_2494delinsAAGATAAGCCAGTTTGATAA, p.Asp828_Cys832delinsGluArgTer (NM_001407954.1, NM_001407955.1, NM_001407956.1 and 1 more transcripts); c.2439_2449delinsAAGATAAGCCAGTTTGATAA, p.Asp813_Cys817delinsGluArgTer (NM_001407959.1, NM_001407960.1, NM_001407963.1); and 41 more.
Identifiers: ClinVar variation 479217 (VCV000479217.7), dbSNP rs1555588883, ClinGen allele CA658656660.